The following is an entry in ClinVar:

ClinVar aggregate classification (germline): Likely benign. Review status: criteria provided, multiple submitters, no conflicts (2 of 4 stars). 2 submissions from 2 submitters: Likely benign (2). Last evaluated 2026-01-21.

Allele frequency attached by ClinVar (database versions not stated): ExAC 0.00002; gnomAD exomes 0.00003 and 0.00004; gnomAD 0.00007 and 0.00008; TOPMed 0.00008; ESP Exome Variant Server 0.00015.
gnomAD v4.1: 65 of 1,613,878 alleles (0.004%); highest among the groups gnomAD compares: African/African-American, 0.023%; no homozygotes.

Submissions (2):

Labcorp Genetics (formerly Invitae), Labcorp
Classification: Likely benign. Last evaluated: 2026-01-21. Review status: criteria provided, single submitter. Criteria: Invitae Variant Classification Sherloc (09022015). Collection method: clinical testing. Allele origin: germline.

CeGaT Center for Human Genetics Tuebingen
Classification: Likely benign. Last evaluated: 2022-05-01. Review status: criteria provided, single submitter. Criteria: CeGaT Center For Human Genetics Tuebingen Variant Classification Criteria Version 2. Collection method: clinical testing. Allele origin: germline. Affected: yes. Observed: 1 variant allele.
Comment: LRP2: BP4, BP7

NM_004525.3(LRP2):c.4086C>T (p.His1362=)

Gene: LRP2 (LDL receptor related protein 2; minus strand). Cytogenetic location: 2q31.1.
Variant type: single nucleotide variant.
Coding change: c.4086C>T on transcript NM_004525.3 (MANE Select); coding-DNA position 4086, C replaced by T.
Protein change: p.His1362=; no amino-acid change (histidine 1362 retained).
Molecular consequence: synonymous variant.
Genome position (GRCh38, 1-based): chr2:169,239,735, G>A on the plus strand (C>T on the coding strand, the complement: LRP2 is on the minus strand). VCF-style: chr2-169239735-G-A. GRCh37 (hg19) VCF-style: chr2-170096245-G-A.
Identifiers: ClinVar variation 1586061 (VCV001586061.32), dbSNP rs377704729, ClinGen allele CA1954883.